The following is an entry in ClinVar:

NM_152618.3(BBS12):c.1193dup (p.Asn398fs)

Gene: BBS12 (Bardet-Biedl syndrome 12; plus strand). Cytogenetic location: 4q27.
Variant type: Duplication.
Coding change: c.1193dup on transcript NM_152618.3 (MANE Select); coding-DNA position 1193, one base duplicated (A; older notation c.1193dupA).
Protein change: p.Asn398fs; shifts the reading frame from asparagine 398.
Molecular consequence: frameshift variant.
Genome position (GRCh38, 1-based): chr4:122,743,085, A duplicated; the last of 3 consecutive A bases (chr4:122,743,083-122,743,085); duplicating any one gives the same sequence. VCF-style (leftmost placement, unchanged base first): chr4-122743082-C-CA. GRCh37 (hg19) VCF-style: chr4-123664237-C-CA.
Other names: c.1193dup, p.Asn398fs (NM_001178007.2); short protein forms N398fs.
Identifiers: ClinVar variation 1372670 (VCV001372670.8), dbSNP rs2150736986, ClinGen allele CA2573138028.

ClinVar aggregate classification (germline): Pathogenic (1 of 4 stars; one submission).

Conditions:
Bardet-Biedl syndrome (BBS). Identifiers: Orphanet 110, MedGen C0752166, MONDO:0015229.

Submission:

Labcorp Genetics (formerly Invitae), Labcorp
Classification: Pathogenic for Bardet-Biedl syndrome. Last evaluated: 2023-12-11. Review status: criteria provided, single submitter. Criteria: Invitae Variant Classification Sherloc (09022015). Collection method: clinical testing. Allele origin: germline.
Comment: This sequence change creates a premature translational stop signal (p.Asn398Lysfs*27) in the BBS12 gene. While this is not anticipated to result in nonsense mediated decay, it is expected to disrupt the last 313 amino acid(s) of the BBS12 protein. This variant is not present in population databases (gnomAD no frequency). This variant has not been reported in the literature in individuals affected with BBS12-related conditions. ClinVar contains an entry for this variant (Variation ID: 1372670). This variant disrupts a region of the BBS12 protein in which other variant(s) (p.Arg675*) have been determined to be pathogenic (PMID: 20827784, 21642631). This suggests that this is a clinically significant region of the protein, and that variants that disrupt it are likely to be disease-causing. For these reasons, this variant has been classified as Pathogenic.

Literature cited by the submitters: PubMed 20827784; PubMed 21642631.